The following is an entry in ClinVar:

ClinVar aggregate classification (germline): Pathogenic (1 of 4 stars; one submission).

Submission:

Labcorp Genetics (formerly Invitae), Labcorp
Classification: Pathogenic. Last evaluated: 2021-11-05. Review status: criteria provided, single submitter. Criteria: Invitae Variant Classification Sherloc (09022015). Collection method: clinical testing. Allele origin: germline.
Comment: For these reasons, this variant has been classified as Pathogenic. This variant has not been reported in the literature in individuals affected with MLC1-related conditions. This variant is a gross deletion of the genomic region encompassing exon(s) 2 of the MLC1 gene, which includes the initiator codon. This deletion extends beyond the assayed region for this gene and therefore may encompass additional genes. It is expected to result in an absent or disrupted protein product. Loss-of-function variants in MLC1 are known to be pathogenic (PMID: 11254442, 16470554, 24824219).

Literature cited by the submitters: PubMed 11254442; PubMed 16470554; PubMed 24824219.

NC_000022.10:g.(?_50523145)_(50523373_?)del

Gene: MLC1 (modulator of VRAC current 1; minus strand). Cytogenetic location: 22q13.33.
Variant type: Deletion.
Identifiers: ClinVar variation 2426086 (VCV002426086.4).